The following is an entry in ClinVar:

NM_024757.5(EHMT1):c.823+2T>G

Gene: EHMT1 (euchromatic histone lysine methyltransferase 1; plus strand). Cytogenetic location: 9q34.3.
Variant type: single nucleotide variant.
Coding change: c.823+2T>G on transcript NM_024757.5 (MANE Select); the canonical splice donor site of the intron after coding-DNA position 823, T replaced by G.
Molecular consequence: splice donor variant.
Genome position (GRCh38, 1-based): chr9:137,728,531, T>G. VCF-style: chr9-137728531-T-G. GRCh37 (hg19) VCF-style: chr9-140622983-T-G.
Other names: c.823+2T>G (NM_001354263.2, NM_001145527.2, NM_001354611.2); c.730+2T>G (NM_001354259.2, NM_001354612.2).
Identifiers: ClinVar variation 2837382 (VCV002837382.3), dbSNP rs2541314706, ClinGen allele CA375772893.
Genomic context (GRCh38, chr9:137,728,531, plus strand): 5'-CCTTCATCAGTCGCTACCTCAGAACCAGTGCTACATGGCCACCACAAAATCACAGACAGG[T>G]AAAGAGGACCCGGCAACTGTCTCTGCTCTTTGAATGTATGTTTCGAGCCTGCCCCTTGCC-3'

ClinVar aggregate classification (germline): Pathogenic (1 of 4 stars; one submission).

Conditions:
Kleefstra syndrome 1 (KLEFS1). Identifiers: Orphanet 261494, MedGen C0795833, MONDO:0027407, OMIM 610253.

Submission:

Labcorp Genetics (formerly Invitae), Labcorp
Classification: Pathogenic for Kleefstra syndrome 1. Last evaluated: 2023-02-14. Review status: criteria provided, single submitter. Criteria: Invitae Variant Classification Sherloc (09022015). Collection method: clinical testing. Allele origin: germline.
Comment: This sequence change affects a donor splice site in intron 4 of the EHMT1 gene. It is expected to disrupt RNA splicing. Variants that disrupt the donor or acceptor splice site typically lead to a loss of protein function (PMID: 16199547), and loss-of-function variants in EHMT1 are known to be pathogenic (PMID: 16826528, 19264732). This variant is not present in population databases (gnomAD no frequency). Disruption of this splice site has been observed in individual(s) with clinical features of Kleefstra syndrome (PMID: 33834462). In at least one individual the variant was observed to be de novo. Algorithms developed to predict the effect of sequence changes on RNA splicing suggest that this variant may disrupt the consensus splice site. For these reasons, this variant has been classified as Pathogenic.

Literature cited by the submitters: PubMed 16199547; PubMed 16826528; PubMed 19264732; PubMed 33834462.